The following is an entry in ClinVar:

ClinVar aggregate classification (germline): Uncertain significance (1 of 4 stars; one submission).

Conditions:
CRYBA1-related disorder. Also called: CRYBA1-related condition.

Submission:

PreventionGenetics, part of Exact Sciences
Classification: Uncertain significance for CRYBA1-related condition. Last evaluated: 2026-06-24. Review status: criteria provided, single submitter. Criteria: ACMG Guidelines, 2015. Collection method: clinical testing. Allele origin: germline.
Comment: The CRYBA1 c.215+4A>T variant is predicted to interfere with splicing. To our knowledge, this variant has not been reported in the literature. This variant is absent in a large population database (gnomAD), indicating this variant is rare. At this time, the clinical significance of this variant is uncertain due to the absence of conclusive functional and genetic evidence.

NM_005208.5(CRYBA1):c.215+4A>T

Gene: CRYBA1 (crystallin beta A1; plus strand). Cytogenetic location: 17q11.2.
Variant type: single nucleotide variant.
Coding change: c.215+4A>T on transcript NM_005208.5 (MANE Select); 4 bases into the intron after coding-DNA position 215, A replaced by T.
Molecular consequence: intron variant.
Genome position (GRCh38, 1-based): chr17:29,250,304, A>T. VCF-style: chr17-29250304-A-T. GRCh37 (hg19) VCF-style: chr17-27577322-A-T.
Identifiers: ClinVar variation 4992342 (VCV004992342.1).
Genomic context (GRCh38, chr17:29,250,304, plus strand): 5'-AAATGTCTCTGAGCGCAGTTTTGATAATGTCCGGTCCCTGAAGGTGGAAAGTGGCGCGTG[A>T]GTATGGACTTCCGCAGAACCGCAGCCCCTTATTTCAGGTCCCTTCAGACAGGGGACCATA-3'